The following is an entry in ClinVar:

ClinVar aggregate classification (germline): Conflicting classifications of pathogenicity. Review status: criteria provided, conflicting classifications (1 of 4 stars). 2 submissions from 2 submitters: Pathogenic (1); Uncertain significance (1). Last evaluated 2025-07-14.

Conditions:
Epidermolysis bullosa pruriginosa. Also called: DEB, PRURIGINOSA; DYSTROPHIC EPIDERMOLYSIS BULLOSA PRURIGINOSA. Identifiers: Orphanet 89843, MedGen C1275114, MONDO:0011398, OMIM 604129.

Allele frequency attached by ClinVar (database versions not stated): gnomAD exomes 0.00005 and 0.00003; gnomAD 0.00001; ExAC 0.00006.
gnomAD v4.1: 47 of 1,613,704 alleles (0.0029%); highest among the groups gnomAD compares: South Asian, 0.048%; no homozygotes.

Submissions (2):

Labcorp Genetics (formerly Invitae), Labcorp
Classification: Uncertain significance. Last evaluated: 2025-07-14. Review status: criteria provided, single submitter. Criteria: Invitae Variant Classification Sherloc (09022015). Collection method: clinical testing. Allele origin: germline.
Comment: This sequence change creates a premature translational stop signal (p.Gln2935*) in the COL7A1 gene. While this is not anticipated to result in nonsense mediated decay, it is expected to disrupt the last 10 amino acid(s) of the COL7A1 protein. This variant is present in population databases (rs767051948, gnomAD 0.04%). This premature translational stop signal has been observed in individual(s) with autosomal recessive dystrophic epidermolysis bullosa (PMID: 34597860). ClinVar contains an entry for this variant (Variation ID: 998085). Experimental studies and prediction algorithms are not available or were not evaluated, and the functional significance of this variant is currently unknown. Algorithms developed to predict the effect of sequence changes on RNA splicing suggest that this variant may disrupt the consensus splice site. In summary, the available evidence is currently insufficient to determine the role of this variant in disease. Therefore, it has been classified as a Variant of Uncertain Significance.

Department of Medical Genetics, Sanjay Gandhi Post Graduate Institute of Medical Sciences
Classification: Pathogenic for Epidermolysis bullosa pruriginosa. Review status: criteria provided, single submitter. Criteria: ACMG Guidelines, 2015. Collection method: clinical testing. Allele origin: germline. Inheritance: Autosomal recessive inheritance. Affected: yes. Observed: 1 variant allele, 1 compound heterozygote.

Literature cited by the submitters: PubMed 34597860 (cited by Labcorp Genetics (formerly Invitae), Labcorp).

NM_000094.4(COL7A1):c.8803C>T (p.Gln2935Ter)

Gene: COL7A1 (collagen type VII alpha 1 chain; minus strand). Cytogenetic location: 3p21.31.
Variant type: single nucleotide variant.
Coding change: c.8803C>T on transcript NM_000094.4 (MANE Select); coding-DNA position 8803, C replaced by T.
Protein change: p.Gln2935Ter; replaces glutamine 2935 with a stop codon.
Molecular consequence: nonsense.
Genome position (GRCh38, 1-based): chr3:48,564,798, G>A on the plus strand (C>T on the coding strand, the complement: COL7A1 is on the minus strand). VCF-style: chr3-48564798-G-A. GRCh37 (hg19) VCF-style: chr3-48602231-G-A.
Other names: short protein forms Q2935*.
Identifiers: ClinVar variation 998085 (VCV000998085.5), dbSNP rs767051948, ClinGen allele CA2377873.
Genomic context (GRCh38, chr3:48,564,798, plus strand): 5'-GCAGGCTCAGTGCCCAGTTCCCCACGGTGGGGGCTCAGCCCATACCTGTCCCCTGGCTCT[G>A]GACCACCCGGGGTGGGCAGCGGCGCTCGCAGGCCTCACGGGTCCCAAAACGGTTGGCATT-3'